The following is an entry in ClinVar:

ClinVar aggregate classification (germline): Uncertain significance (1 of 4 stars; one submission).

gnomAD v4.1: 1 of 1,614,186 alleles (0.000062%); no homozygotes.

Submission:

GeneDx
Classification: Uncertain significance. Last evaluated: 2022-04-13. Review status: criteria provided, single submitter. Criteria: GeneDx Variant Classification Process June 2021. Collection method: clinical testing. Allele origin: germline. Affected: yes.
Comment: Not observed at significant frequency in large population cohorts (gnomAD); In silico analysis supports that this missense variant does not alter protein structure/function; Has not been previously published as pathogenic or benign to our knowledge

NM_000163.5(GHR):c.1214A>G (p.His405Arg)

Gene: GHR (growth hormone receptor; plus strand). Cytogenetic location: 5p12.
Variant type: single nucleotide variant.
Coding change: c.1214A>G on transcript NM_000163.5 (MANE Select); coding-DNA position 1214, A replaced by G.
Protein change: p.His405Arg; replaces histidine 405 with arginine.
Molecular consequence: missense variant. On other transcripts: 3 prime UTR variant (1).
Genome position (GRCh38, 1-based): chr5:42,718,721, A>G. VCF-style: chr5-42718721-A-G. GRCh37 (hg19) VCF-style: chr5-42718823-A-G.
Other names: c.1235A>G, p.His412Arg (NM_001242399.2); c.1214A>G, p.His405Arg (NM_001242400.2, NM_001242401.4, NM_001242402.2 and 4 more transcripts); c.1148A>G, p.His383Arg (NM_001242460.2); c.*256A>G (NM_001242462.1); short protein forms H383R, H405R, H412R.
Identifiers: ClinVar variation 1710760 (VCV001710760.2), dbSNP rs766704808, ClinGen allele CA359629728.